The following is an entry in ClinVar:

ClinVar aggregate classification (germline): Uncertain significance (1 of 4 stars; one submission).

Submission:

CeGaT Center for Human Genetics Tuebingen
Classification: Uncertain significance. Last evaluated: 2025-07-01. Review status: criteria provided, single submitter. Criteria: CeGaT Center For Human Genetics Tuebingen Variant Classification Criteria Version 2. Collection method: clinical testing. Allele origin: germline. Affected: yes. Observed: 1 variant allele.
Comment: PRPF8: PM2, PP2, PP3, BS4

NM_006445.4(PRPF8):c.1433C>T (p.Ala478Val)

Gene: PRPF8 (pre-mRNA processing factor 8; minus strand). Cytogenetic location: 17p13.3.
Variant type: single nucleotide variant.
Coding change: c.1433C>T on transcript NM_006445.4 (MANE Select); coding-DNA position 1433, C replaced by T.
Protein change: p.Ala478Val; replaces alanine 478 with valine.
Molecular consequence: missense variant.
Genome position (GRCh38, 1-based): chr17:1,679,183, G>A on the plus strand (C>T on the coding strand, the complement: PRPF8 is on the minus strand). VCF-style: chr17-1679183-G-A. GRCh37 (hg19) VCF-style: chr17-1582477-G-A.
Other names: short protein forms A478V.
Identifiers: ClinVar variation 4084383 (VCV004084383.8).